The following is an entry in ClinVar:

ClinVar aggregate classification (germline): Conflicting classifications of pathogenicity. Review status: criteria provided, conflicting classifications (1 of 4 stars). 2 submissions from 2 submitters: Uncertain significance (1); Likely benign (1). Last evaluated 2023-04-28.

Conditions:
Hereditary cancer-predisposing syndrome. Also called: Hereditary neoplastic syndrome; Tumor predisposition; Neoplastic Syndromes, Hereditary; Hereditary Cancer Syndrome. Identifiers: Orphanet 140162, MedGen C0027672, MeSH D009386, MONDO:0015356.
Microcephaly, normal intelligence and immunodeficiency (NBS). Also called: BERLIN BREAKAGE SYNDROME; Immunodeficiency, microcephaly with normal intelligence; SEEMANOVA SYNDROME II; Ataxia telangiectasia variant V1; IMMUNODEFICIENCY, MICROCEPHALY, AND CHROMOSOMAL INSTABILITY; Nijmegen breakage syndrome. Identifiers: Orphanet 647, MedGen C0398791, MONDO:0009623, OMIM 251260.

Submissions (2):

Labcorp Genetics (formerly Invitae), Labcorp
Classification: Likely benign for Microcephaly, normal intelligence and immunodeficiency. Last evaluated: 2023-04-28. Review status: criteria provided, single submitter. Criteria: Invitae Variant Classification Sherloc (09022015). Collection method: clinical testing. Allele origin: germline.

Ambry Genetics
Classification: Uncertain significance for Hereditary cancer-predisposing syndrome. Last evaluated: 2022-11-22. Review status: criteria provided, single submitter. Criteria: Ambry Variant Classification Scheme 2023. Collection method: clinical testing. Allele origin: germline.
Comment: The c.2185-5G>A intronic variant results from a G to A substitution 5 nucleotides before coding exon 15 in the NBN gene. This nucleotide position is well conserved in available vertebrate species. In silico splice site analysis predicts that this alteration will not have any significant effect on splicing. Since supporting evidence is limited at this time, the clinical significance of this alteration remains unclear.

NM_002485.5(NBN):c.2185-5G>A

Gene: NBN (nibrin; minus strand). Cytogenetic location: 8q21.3.
Variant type: single nucleotide variant.
Coding change: c.2185-5G>A on transcript NM_002485.5 (MANE Select); 5 bases into the intron before coding-DNA position 2185, G replaced by A.
Molecular consequence: intron variant.
Genome position (GRCh38, 1-based): chr8:89,937,080, C>T on the plus strand (G>A on the coding strand, the complement: NBN is on the minus strand). VCF-style: chr8-89937080-C-T. GRCh37 (hg19) VCF-style: chr8-90949308-C-T.
Other names: c.1939-5G>A (NM_001024688.3).
Identifiers: ClinVar variation 2452393 (VCV002452393.5), dbSNP rs1483820975, ClinGen allele CA583377702.